The following is an entry in ClinVar:

NM_004928.3(CFAP410):c.*5A>G

Gene: CFAP410 (cilia and flagella associated protein 410; minus strand). Cytogenetic location: 21q22.3.
Variant type: single nucleotide variant.
Coding change: c.*5A>G on transcript NM_004928.3 (MANE Select); 5 bases downstream of the stop codon, A replaced by G.
Molecular consequence: 3 prime UTR variant.
Genome position (GRCh38, 1-based): chr21:44,330,193, T>C on the plus strand (A>G on the coding strand, the complement: CFAP410 is on the minus strand). VCF-style: chr21-44330193-T-C. GRCh37 (hg19) VCF-style: chr21-45750076-T-C.
Other names: c.*5A>G (NM_001271440.2, NM_001271441.2, NM_001271442.1).
Identifiers: ClinVar variation 4981541 (VCV004981541.1).

ClinVar aggregate classification (germline): Likely benign (1 of 4 stars; one submission).

Conditions:
CFAP410-related disorder. Also called: CFAP410-related condition.

gnomAD v4.1: 1 of 1,559,314 alleles (0.000064%); no homozygotes.

Submission:

PreventionGenetics, part of Exact Sciences
Classification: Likely benign for CFAP410-related condition. Last evaluated: 2025-10-13. Review status: criteria provided, single submitter. Criteria: ACMG Guidelines, 2015. Collection method: clinical testing. Allele origin: germline.
Comment: This variant is classified as likely benign based on ACMG/AMP sequence variant interpretation guidelines (Richards et al. 2015 PMID: 25741868, with internal and published modifications).